The following is an entry in ClinVar:

NM_001271.4(CHD2):c.625G>C (p.Asp209His)

Gene: CHD2 (chromodomain helicase DNA binding protein 2; plus strand). Cytogenetic location: 15q26.1.
Variant type: single nucleotide variant.
Coding change: c.625G>C on transcript NM_001271.4 (MANE Select); coding-DNA position 625, G replaced by C.
Protein change: p.Asp209His; replaces aspartic acid 209 with histidine.
Molecular consequence: missense variant.
Genome position (GRCh38, 1-based): chr15:92,939,651, G>C. VCF-style: chr15-92939651-G-C. GRCh37 (hg19) VCF-style: chr15-93482881-G-C.
Other names: c.625G>C, p.Asp209His (NM_001042572.3); short protein forms D209H.
Identifiers: ClinVar variation 3360921 (VCV003360921.3).

ClinVar aggregate classification (germline): Uncertain significance. Review status: criteria provided, multiple submitters, no conflicts (2 of 4 stars). 3 submissions from 3 submitters: Uncertain significance (3). Last evaluated 2024-05-03.

Conditions:
Developmental and epileptic encephalopathy 94 (DEE94). Also called: CHD2-Related Neurodevelopmental Disorders; Epileptic encephalopathy, childhood-onset. Identifiers: Orphanet 1942, Orphanet 2382, MedGen C3809278, MONDO:0014150, OMIM 615369.

Submissions (3):

Fulgent Genetics
Classification: Uncertain significance for Developmental and epileptic encephalopathy 94. Last evaluated: 2024-05-03. Review status: criteria provided, single submitter. Criteria: ACMG Guidelines, 2015. Collection method: clinical testing. Allele origin: germline.

Blueprint Genetics
Classification: Uncertain significance. Last evaluated: 2024-01-10. Review status: criteria provided, single submitter. Criteria: ACMG Guidelines, 2015. Collection method: clinical testing. Allele origin: germline.

GeneDx
Classification: Uncertain significance. Last evaluated: 2023-07-07. Review status: criteria provided, single submitter. Criteria: GeneDx Variant Classification Process June 2021. Collection method: clinical testing. Allele origin: germline. Affected: yes.
Comment: Has not been previously published as pathogenic or benign to our knowledge; Not observed at significant frequency in large population cohorts (gnomAD); In silico analysis supports that this missense variant has a deleterious effect on protein structure/function